The following is an entry in ClinVar:

NM_000038.6(APC):c.853_859del (p.Asp285fs)

Gene: APC (APC regulator of Wnt signaling pathway; plus strand). Cytogenetic location: 5q22.2.
Variant type: Deletion.
Coding change: c.853_859del on transcript NM_000038.6 (MANE Select); coding-DNA positions 853 to 859, 7 bases deleted (GACCATG; older notation c.853_859delGACCATG).
Protein change: p.Asp285fs; shifts the reading frame from aspartic acid 285.
Molecular consequence: frameshift variant. On other transcripts: initiator codon variant (4), non-coding transcript variant (2).
Genome position (GRCh38, 1-based): chr5:112,815,513-112,815,519, GACCATG deleted; deleting any 7 consecutive bases within chr5:112,815,510-112,815,519 gives the same sequence; the c. name uses the placement nearest the transcript's 3' end. VCF-style (leftmost placement, unchanged base first): chr5-112815509-AATGGACC-A. GRCh37 (hg19) VCF-style: chr5-112151206-AATGGACC-A.
Other names: c.853_859del, p.Asp285fs (NM_001127510.3, NM_001354895.2, NM_001354896.2 and 12 more transcripts); c.799_805del, p.Asp267fs (NM_001127511.3); c.883_889del, p.Asp295fs (NM_001354897.2, NM_001354902.2, NM_001407446.1); c.778_784del, p.Asp260fs (NM_001354898.2, NM_001354904.2, NM_001407451.1); c.769_775del, p.Asp257fs (NM_001354899.2, NM_001407452.1, NM_001407467.1 and 1 more transcripts); c.676_682del, p.Asp226fs (NM_001354900.2, NM_001354901.2, NM_001354905.2 and 1 more transcripts); c.4_10del, p.Asp2fs (NM_001354906.2, NM_001407470.1, NM_001407471.1 and 1 more transcripts); c.853_859del (NM_000038.5); short protein forms D226fs, D257fs, D260fs, D267fs, D285fs, D295fs, D2fs.
Identifiers: ClinVar variation 2583976 (VCV002583976.2), dbSNP rs2532965799, ClinGen allele CA2582341265.

ClinVar aggregate classification (germline): Pathogenic. Review status: criteria provided, multiple submitters, no conflicts (2 of 4 stars). 2 submissions from 2 submitters: Pathogenic (2). Last evaluated 2023-08-22.

Conditions:
Familial adenomatous polyposis 1 (FAP1). Also called: FAMILIAL ADENOMATOUS POLYPOSIS 1, ATTENUATED; POLYPOSIS, ADENOMATOUS INTESTINAL. Identifiers: MedGen C2713442, MONDO:0021056, OMIM 175100. Disease mechanism: loss of function.

Submissions (2):

GeneDx
Classification: Pathogenic. Last evaluated: 2023-08-22. Review status: criteria provided, single submitter. Criteria: GeneDx Variant Classification Process June 2021. Collection method: clinical testing. Allele origin: germline. Affected: yes.
Comment: Frameshift variant predicted to result in protein truncation or nonsense mediated decay in a gene for which loss of function is a known mechanism of disease; Not observed at significant frequency in large population cohorts (gnomAD); Has not been previously published as pathogenic or benign to our knowledge

Myriad Genetics, Inc.
Classification: Pathogenic for Familial adenomatous polyposis 1. Last evaluated: 2023-04-27. Review status: criteria provided, single submitter. Criteria: Myriad Autosomal Dominant, Autosomal Recessive and X-Linked Classification Criteria (2023). Collection method: clinical testing. Allele origin: unknown.
Comment: This variant is considered pathogenic. This variant creates a frameshift predicted to result in premature protein truncation.